The following is an entry in ClinVar:

NM_005732.4(RAD50):c.847G>C (p.Glu283Gln)

Gene: RAD50 (RAD50 double strand break repair protein; plus strand). Cytogenetic location: 5q31.1.
Variant type: single nucleotide variant.
Coding change: c.847G>C on transcript NM_005732.4 (MANE Select); coding-DNA position 847, G replaced by C.
Protein change: p.Glu283Gln; replaces glutamic acid 283 with glutamine.
Molecular consequence: missense variant.
Genome position (GRCh38, 1-based): chr5:132,587,652, G>C. VCF-style: chr5-132587652-G-C. GRCh37 (hg19) VCF-style: chr5-131923344-G-C.
Other names: short protein forms E283Q.
Identifiers: ClinVar variation 3942168 (VCV003942168.1).

ClinVar aggregate classification (germline): Uncertain significance (1 of 4 stars; one submission).

Conditions:
Hereditary cancer-predisposing syndrome. Also called: Tumor predisposition; Hereditary neoplastic syndrome; Hereditary Cancer Syndrome; Neoplastic Syndromes, Hereditary. Identifiers: Orphanet 140162, MedGen C0027672, MeSH D009386, MONDO:0015356.

Submission:

Ambry Genetics
Classification: Uncertain significance for Hereditary cancer-predisposing syndrome. Last evaluated: 2025-04-17. Review status: criteria provided, single submitter. Criteria: Ambry Variant Classification Scheme 2023. Collection method: clinical testing. Allele origin: germline.
Comment: The p.E283Q variant (also known as c.847G>C), located in coding exon 6 of the RAD50 gene, results from a G to C substitution at nucleotide position 847. The glutamic acid at codon 283 is replaced by glutamine, an amino acid with highly similar properties. This amino acid position is conserved. In addition, this alteration is predicted to be tolerated by in silico analysis. Based on the available evidence, the clinical significance of this variant remains unclear.